The following is an entry in ClinVar:

ClinVar aggregate classification (germline): Uncertain significance (1 of 4 stars; one submission).

Conditions:
Charcot-Marie-Tooth disease type 2. Also called: Charcot-Marie-Tooth type 2. Identifiers: Orphanet 64746, MedGen C0270914, MONDO:0018993.

Allele frequency attached by ClinVar (database versions not stated): gnomAD exomes below 0.00001.

Submission:

Labcorp Genetics (formerly Invitae), Labcorp
Classification: Uncertain significance for Charcot-Marie-Tooth disease type 2. Last evaluated: 2022-08-21. Review status: criteria provided, single submitter. Criteria: Invitae Variant Classification Sherloc (09022015). Collection method: clinical testing. Allele origin: germline.
Comment: In summary, the available evidence is currently insufficient to determine the role of this variant in disease. Therefore, it has been classified as a Variant of Uncertain Significance. Algorithms developed to predict the effect of missense changes on protein structure and function are either unavailable or do not agree on the potential impact of this missense change (SIFT: "Tolerated"; PolyPhen-2: "Possibly Damaging"; Align-GVGD: "Class C0"). This variant has not been reported in the literature in individuals affected with MFN2-related conditions. This variant is not present in population databases (gnomAD no frequency). This sequence change replaces valine, which is neutral and non-polar, with isoleucine, which is neutral and non-polar, at codon 75 of the MFN2 protein (p.Val75Ile).

NM_014874.4(MFN2):c.223G>A (p.Val75Ile)

Gene: MFN2 (mitofusin 2; plus strand). Cytogenetic location: 1p36.22.
Variant type: single nucleotide variant.
Coding change: c.223G>A on transcript NM_014874.4 (MANE Select); coding-DNA position 223, G replaced by A.
Protein change: p.Val75Ile; replaces valine 75 with isoleucine.
Molecular consequence: missense variant.
Genome position (GRCh38, 1-based): chr1:11,992,602, G>A. VCF-style: chr1-11992602-G-A. GRCh37 (hg19) VCF-style: chr1-12052659-G-A.
Other names: c.223G>A, p.Val75Ile (NM_001127660.2); short protein forms V75I.
Identifiers: ClinVar variation 1717260 (VCV001717260.5), dbSNP rs2522984933, ClinGen allele CA338461817.
Genomic context (GRCh38, chr1:11,992,602, plus strand): 5'-TCCCCACCTCCAGACACGTACAGGAATGCAGAACTGGACCCCGTTACCACAGAAGAACAG[G>A]TTCTGGACGTCAAAGGTTACCTATCCAAAGTGAGAGGCATCAGTGAGGTGCTGGCTCGGA-3'
Protein context (NP_055689.1, residues 65-85): ELDPVTTEEQ[Val75Ile]LDVKGYLSKV